The following is an entry in ClinVar:

ClinVar aggregate classification (germline): Pathogenic/Likely pathogenic. Review status: criteria provided, multiple submitters, no conflicts (2 of 4 stars). 2 submissions from 2 submitters: Pathogenic (1); Likely pathogenic (1). Last evaluated 2023-05-01.

Conditions:
Familial hypobetalipoproteinemia 1. Also called: Hypobetalipoproteinemia, normotriglyceridemic; Acanthocytosis with hypobetalipoproteinemia; APOB-Related Familial Hypobetalipoproteinemia. Identifiers: MedGen C4551990, MONDO:0014252, OMIM 615558.
Hypercholesterolemia, autosomal dominant, type B (FHCL2). Also called: Familial hypercholesterolemia 2; APOB-Related Familial Hypercholesterolemia, Autosomal Dominant; HYPERCHOLESTEROLEMIA, FAMILIAL, DUE TO LIGAND-DEFECTIVE APOLIPOPROTEIN B; Familial Hypercholesterolemia Type B; APOLIPOPROTEIN B-100, FAMILIAL DEFECTIVE; APOLIPOPROTEIN B-100, FAMILIAL LIGAND-DEFECTIVE. Identifiers: MedGen C1704417, MONDO:0007751, OMIM 144010.

Submissions (2):

Labcorp Genetics (formerly Invitae), Labcorp
Classification: Pathogenic for Familial hypobetalipoproteinemia 1; Hypercholesterolemia, autosomal dominant, type B. Last evaluated: 2023-05-01. Review status: criteria provided, single submitter. Criteria: Invitae Variant Classification Sherloc (09022015). Collection method: clinical testing. Allele origin: germline.
Comment: For these reasons, this variant has been classified as Pathogenic. ClinVar contains an entry for this variant (Variation ID: 524093). This variant has not been reported in the literature in individuals affected with APOB-related conditions. This variant is present in population databases (no rsID available, gnomAD 0.0009%). This sequence change creates a premature translational stop signal (p.Phe2617Leufs*2) in the APOB gene. It is expected to result in an absent or disrupted protein product. Loss-of-function variants in APOB are known to be pathogenic (PMID: 20032471).

GeneDx
Classification: Likely pathogenic. Last evaluated: 2018-04-10. Review status: criteria provided, single submitter. Criteria: GeneDx Variant Classification (06012015). Collection method: clinical testing. Allele origin: germline. Affected: yes.
Comment: The c.7851delT variant in the APOB gene has not been reported previously as a pathogenic variant nor as a benign variant, to our knowledge. The c.7851delT variant causes a frameshift starting with codon Phenylalanine 2617, changes this amino acid to a Leucine residue, and creates a premature Stop codon at position 2 of the new reading frame, denoted p.Phe2617LeufsX2. This variant is predicted to cause loss of normal protein function either through protein truncation or nonsense-mediated mRNA decay. The c.7851delT variant is not observed at a significant frequency in large population cohorts (Lek et al., 2016). We interpret c.7851delT as a likely pathogenic variant,

Literature cited by the submitters: PubMed 20032471 (cited by Labcorp Genetics (formerly Invitae), Labcorp).

NM_000384.3(APOB):c.7851del (p.Phe2617fs)

Gene: APOB (apolipoprotein B; minus strand). Cytogenetic location: 2p24.1.
Variant type: Deletion.
Coding change: c.7851del on transcript NM_000384.3 (MANE Select); coding-DNA position 7851, one base deleted (T; older notation c.7851delT).
Protein change: p.Phe2617fs; shifts the reading frame from phenylalanine 2617.
Molecular consequence: frameshift variant.
Genome position (GRCh38, 1-based): chr2:21,009,017, A deleted on the plus strand (T on the coding strand, the reverse complement: APOB is on the minus strand); the first of 4 consecutive A bases (chr2:21,009,017-21,009,020); deleting any one gives the same sequence. VCF-style (leftmost placement, unchanged base first): chr2-21009016-TA-T. GRCh37 (hg19) VCF-style: chr2-21231888-TA-T.
Other names: short protein forms F2617fs.
Identifiers: ClinVar variation 524093 (VCV000524093.5), dbSNP rs1220363895, ClinGen allele CA531312743.
Genomic context (GRCh38, chr2:21,009,016, plus strand): 5'-TTTTTAAGTCTTTGAAGTTTATCTGAACTGATGGAATCCTCAAATCTGTTAGGGGGACTA[TA>T]AAATCAGGTGTCTGGAAGGTAGCTTTCTGAAGAGCCTGAAGACTGACTTCAAAGGCAGGC-3'